The following is an entry in ClinVar:

NM_000531.6(OTC):c.563G>A (p.Gly188Asp)

Gene: OTC (ornithine transcarbamylase; plus strand). Cytogenetic location: Xp11.4.
Variant type: single nucleotide variant.
Coding change: c.563G>A on transcript NM_000531.6 (MANE Select); coding-DNA position 563, G replaced by A.
Protein change: p.Gly188Asp; replaces glycine 188 with aspartic acid.
Molecular consequence: missense variant.
Genome position (GRCh38, 1-based): chrX:38,403,640, G>A. VCF-style: chrX-38403640-G-A. GRCh37 (hg19) VCF-style: chrX-38262893-G-A.
Other names: c.563G>A, p.Gly188Asp (NM_001407092.1); short protein forms G188D.
Identifiers: ClinVar variation 4525897 (VCV004525897.1).
Genomic context (GRCh38, chrX:38,403,640, plus strand): 5'-ACGCCTGGATTTCATCTCCTTCATCCCGTGCCTTTTAGGAACACTATAGCTCTCTGAAAG[G>A]TCTTACCCTCAGCTGGATCGGGGATGGGAACAATATCCTGCACTCCATCATGATGAGCGC-3'
Protein context (NP_000522.3, residues 178-198): TLQEHYSSLK[Gly188Asp]LTLSWIGDGN

ClinVar aggregate classification (germline): Uncertain significance (1 of 4 stars; one submission).

Submission:

Women's Health and Genetics/Laboratory Corporation of America, LabCorp
Classification: Uncertain significance. Last evaluated: 2025-07-15. Review status: criteria provided, single submitter. Criteria: LabCorp Variant Classification Summary - May 2015. Collection method: clinical testing. Allele origin: germline.
Comment: Variant summary: OTC c.563G>A (p.Gly188Asp) results in a non-conservative amino acid change in the encoded protein sequence. Algorithms developed to predict the effect of missense changes on protein structure and function all suggest that this variant is likely to be disruptive. The variant was absent in 183119 control chromosomes. The available data on variant occurrences in the general population are insufficient to allow any conclusion about variant significance. To our knowledge, no occurrence of c.563G>A in individuals affected with Ornithine Transcarbamylase Deficiency and no experimental evidence demonstrating its impact on protein function have been reported. No submitters have cited clinical-significance assessments for this variant to ClinVar. Based on the evidence outlined above, the variant was classified as uncertain significance.